The following is an entry in ClinVar:

NM_000059.4(BRCA2):c.4370del (p.Leu1457fs)

Gene: BRCA2 (BRCA2 DNA repair associated; plus strand). Cytogenetic location: 13q13.1.
Variant type: Deletion.
Coding change: c.4370del on transcript NM_000059.4 (MANE Select); coding-DNA position 4370, one base deleted (T; older notation c.4370delT).
Protein change: p.Leu1457fs; shifts the reading frame from leucine 1457.
Molecular consequence: frameshift variant. On other transcripts: non-coding transcript variant (1), intron variant (2).
Genome position (GRCh38, 1-based): chr13:32,338,725, T deleted; the last of 2 consecutive T bases (chr13:32,338,724-32,338,725); deleting either gives the same sequence. VCF-style (leftmost placement, unchanged base first): chr13-32338723-AT-A. GRCh37 (hg19) VCF-style: chr13-32912860-AT-A.
Other names: c.4370del, p.Leu1457fs (NM_001406719.1, NM_001406720.1); c.1909+5338del (NM_001406721.1); c.425-5833del (NM_001406722.1); short protein forms L1457fs.
Identifiers: ClinVar variation 3148551 (VCV003148551.1), dbSNP rs2548528212, ClinGen allele CA2825002139.

ClinVar aggregate classification (germline): Pathogenic (1 of 4 stars; one submission).

Conditions:
Breast-ovarian cancer, familial, susceptibility to, 2 (BROVCA2). Also called: BRCA2 Hereditary Breast and Ovarian Cancer. Identifiers: Orphanet 145, MedGen C2675520, MONDO:0012933, OMIM 612555. Disease mechanism: loss of function.

Submission:

Myriad Genetics, Inc.
Classification: Pathogenic for Breast-ovarian cancer, familial, susceptibility to, 2. Last evaluated: 2024-01-17. Review status: criteria provided, single submitter. Criteria: Myriad Autosomal Dominant, Autosomal Recessive and X-Linked Classification Criteria (2023). Collection method: clinical testing. Allele origin: unknown.
Comment: This variant is considered pathogenic. This variant creates a frameshift predicted to result in premature protein truncation.